The following is an entry in ClinVar:

NM_004960.4(FUS):c.1541+9_1541+10del

Gene: FUS (FUS RNA binding protein; plus strand). Cytogenetic location: 16p11.2.
Variant type: Deletion.
Coding change: c.1541+9_1541+10del on transcript NM_004960.4 (MANE Select); bases 9 to 10 of the intron after coding-DNA position 1541, 2 bases deleted (TT; older notation c.1541+9_1541+10delTT).
Molecular consequence: intron variant.
Genome position (GRCh38, 1-based): chr16:31,191,119-31,191,120, TT deleted; deleting any 2 consecutive bases within chr16:31,191,118-31,191,120 gives the same sequence; the c. name uses the placement nearest the transcript's 3' end. VCF-style (leftmost placement, unchanged base first): chr16-31191117-CTT-C. GRCh37 (hg19) VCF-style: chr16-31202438-CTT-C.
Other names: p.?; c.1541+9_1541+10delTT (NM_004960.3); c.1529+9_1529+10del (NM_001170937.1); c.1538+9_1538+10del (NM_001170634.1).
Identifiers: ClinVar variation 585886 (VCV000585886.12), dbSNP rs761850706, ClinGen allele CA8024082.

ClinVar aggregate classification (germline): Benign/Likely benign. Review status: criteria provided, multiple submitters, no conflicts (2 of 4 stars). 4 submissions from 4 submitters: Benign (1); Likely benign (3). Last evaluated 2026-01-19.

Conditions:
Amyotrophic lateral sclerosis type 6. Also called: Amyotrophic lateral sclerosis 6, with or without frontotemporal dementia; FUS-Related Amyotrophic Laterial Sclerosis; AMYOTROPHIC LATERAL SCLEROSIS 6 WITHOUT FRONTOTEMPORAL DEMENTIA. Identifiers: Orphanet 275872, Orphanet 803, MedGen C2931786, MONDO:0011951, OMIM 608030.
Tremor, hereditary essential, 4 (ETM4). Identifiers: MedGen C3539195, MONDO:0013888, OMIM 614782.

Submissions (4):

Labcorp Genetics (formerly Invitae), Labcorp
Classification: Likely benign for Tremor, hereditary essential, 4; Amyotrophic lateral sclerosis type 6. Last evaluated: 2026-01-19. Review status: criteria provided, single submitter. Criteria: Invitae Variant Classification Sherloc (09022015). Collection method: clinical testing. Allele origin: germline.

Mayo Clinic Laboratories, Mayo Clinic
Classification: Likely benign. Last evaluated: 2025-08-27. Review status: criteria provided, single submitter. Criteria: ACMG Guidelines, 2015. Collection method: clinical testing. Allele origin: germline. Observed: 2 variant alleles.
Comment: BS2, BP4, BP7

Blueprint Genetics
Classification: Likely benign. Last evaluated: 2024-10-22. Review status: criteria provided, single submitter. Criteria: ACMG Guidelines, 2015. Collection method: clinical testing. Allele origin: germline.

Athena Diagnostics
Classification: Benign. Last evaluated: 2018-03-22. Review status: criteria provided, single submitter. Criteria: Athena Diagnostics Criteria. Collection method: clinical testing. Allele origin: germline.